The following is an entry in ClinVar:

ClinVar aggregate classification (germline): Pathogenic (1 of 4 stars; one submission).

Conditions:
IFT172-related disorder. Also called: IFT172-related condition; IFT172-related disorders.

Submission:

PreventionGenetics, part of Exact Sciences
Classification: Pathogenic for IFT172-related condition. Last evaluated: 2025-08-08. Review status: criteria provided, single submitter. Criteria: ACMG Guidelines, 2015. Collection method: clinical testing. Allele origin: germline.
Comment: The IFT172 c.3399_3400delTC variant is predicted to result in a frameshift and premature protein termination (p.Arg1134Alafs*21). This variant has been reported in the compound heterozygous state in two sisters with Mainzer-Saldino syndrome, characterized by chronic renal failure and early-onset severe retinal dystrophy (Romano et al. 2021. PubMed ID: 33393400). This variant is reported in 0.00088% of alleles in individuals of European (Non-Finnish) descent in gnomAD. Frameshift variants in IFT172 are expected to be pathogenic. This variant is interpreted as pathogenic.

NM_015662.3(IFT172):c.3399_3400del (p.Arg1134fs)

Gene: IFT172 (intraflagellar transport 172; minus strand). Cytogenetic location: 2p23.3.
Variant type: Microsatellite.
Coding change: c.3399_3400del on transcript NM_015662.3 (MANE Select); coding-DNA positions 3399 to 3400, 2 bases deleted (TC; older notation c.3399_3400delTC).
Protein change: p.Arg1134fs; shifts the reading frame from arginine 1134.
Molecular consequence: frameshift variant.
Genome position (GRCh38, 1-based): chr2:27,454,632-27,454,633, GA deleted on the plus strand (TC on the coding strand, the reverse complement: IFT172 is on the minus strand); deleting any 2 consecutive bases within chr2:27,454,632-27,454,638 gives the same sequence; the c. name uses the placement nearest the transcript's 3' end. VCF-style (leftmost placement, unchanged base first): chr2-27454631-CGA-C. GRCh37 (hg19) VCF-style: chr2-27677498-CGA-C.
Other names: c.3333_3334del, p.Arg1112fs (NM_001410739.1); short protein forms R1134fs, R1112fs.
Identifiers: ClinVar variation 4977962 (VCV004977962.1).